The following is an entry in ClinVar:

NM_006231.4(POLE):c.6175C>T (p.Leu2059Phe)

Gene: POLE (DNA polymerase epsilon, catalytic subunit; minus strand). Cytogenetic location: 12q24.33.
Variant type: single nucleotide variant.
Coding change: c.6175C>T on transcript NM_006231.4 (MANE Select); coding-DNA position 6175, C replaced by T.
Protein change: p.Leu2059Phe; replaces leucine 2059 with phenylalanine.
Molecular consequence: missense variant.
Genome position (GRCh38, 1-based): chr12:132,632,470, G>A on the plus strand (C>T on the coding strand, the complement: POLE is on the minus strand). VCF-style: chr12-132632470-G-A. GRCh37 (hg19) VCF-style: chr12-133209056-G-A.
Other names: short protein forms L2059F.
Identifiers: ClinVar variation 1479184 (VCV001479184.6), dbSNP rs2041952812, ClinGen allele CA387369898.

ClinVar aggregate classification (germline): Uncertain significance (1 of 4 stars; one submission).

Submission:

Labcorp Genetics (formerly Invitae), Labcorp
Classification: Uncertain significance. Last evaluated: 2025-07-15. Review status: criteria provided, single submitter. Criteria: Invitae Variant Classification Sherloc (09022015). Collection method: clinical testing. Allele origin: germline.
Comment: This sequence change replaces leucine, which is neutral and non-polar, with phenylalanine, which is neutral and non-polar, at codon 2059 of the POLE protein (p.Leu2059Phe). This variant is not present in population databases (gnomAD no frequency). This variant has not been reported in the literature in individuals affected with POLE-related conditions. ClinVar contains an entry for this variant (Variation ID: 1479184). Invitae Evidence Modeling of protein sequence and biophysical properties (such as structural, functional, and spatial information, amino acid conservation, physicochemical variation, residue mobility, and thermodynamic stability) indicates that this missense variant is not expected to disrupt POLE protein function with a negative predictive value of 80%. In summary, the available evidence is currently insufficient to determine the role of this variant in disease. Therefore, it has been classified as a Variant of Uncertain Significance.